The following is an entry in ClinVar:

ClinVar aggregate classification (germline): Conflicting classifications of pathogenicity. Review status: criteria provided, conflicting classifications (1 of 4 stars). 5 submissions from 5 submitters: Uncertain significance (2); Likely benign (2). 1 of the submissions does not count toward it. Last evaluated 2025-12-01.

Conditions:
MYH6-related disorder. Also called: MYH6-Related Disorders; MYH6-related condition.
Cardiovascular phenotype. Identifiers: MedGen CN230736.
Hypertrophic cardiomyopathy 14. Identifiers: MedGen C2750467, MONDO:0013197, OMIM 613251.
Congestive heart failure. Identifiers: MedGen C0018802, MONDO:0005009, HP:0001635.

Allele frequency attached by ClinVar (database versions not stated): gnomAD exomes 0.00003 and 0.00017; gnomAD 0.00006 and 0.00007; TOPMed 0.00006; ExAC 0.00013.
gnomAD v4.1: 47 of 1,275,474 alleles (0.0037%); highest among the groups gnomAD compares: East Asian, 0.068%; no homozygotes.

Submissions (5):

Labcorp Genetics (formerly Invitae), Labcorp
Classification: Likely benign for Hypertrophic cardiomyopathy 14. Last evaluated: 2025-12-01. Review status: criteria provided, single submitter. Criteria: Invitae Variant Classification Sherloc (09022015). Collection method: clinical testing. Allele origin: germline.

Ambry Genetics
Classification: Likely benign for Cardiovascular phenotype. Last evaluated: 2018-04-25. Review status: criteria provided, single submitter. Criteria: Ambry Variant Classification Scheme 2023. Collection method: clinical testing. Allele origin: germline.

Center for Advanced Laboratory Medicine, UC San Diego Health, University of California San Diego
Classification: Uncertain significance for Congestive heart failure. Last evaluated: 2017-12-06. Review status: criteria provided, single submitter. Criteria: ACMG Guidelines, 2015. Collection method: clinical testing. Allele origin: germline. Affected: yes. Observed: 1 variant allele.

Biesecker Lab/Clinical Genomics Section, National Institutes of Health
Classification: Uncertain significance. Last evaluated: 2013-06-24. Review status: criteria provided, single submitter. Criteria: Ng et al. (Circ Cardiovasc Genet. 2013). Collection method: research. Allele origin: unknown. Observed: 1 variant allele. Study: ClinSeq.
Comment: The study set was not selected for affection status in relation to any cancer. Pathogenicity categories were based on literature curation. See Pubmed ID:23861362 for details.

Medical sequencing

PreventionGenetics, part of Exact Sciences
Classification: Likely benign for MYH6-related condition. Last evaluated: 2023-01-03. Review status: no assertion criteria provided. Collection method: clinical testing. Allele origin: germline. Not counted in ClinVar's aggregate classification.
Comment: This variant is classified as likely benign based on ACMG/AMP sequence variant interpretation guidelines (Richards et al. 2015 PMID: 25741868, with internal and published modifications).

NM_002471.4(MYH6):c.3988G>A (p.Ala1330Thr)

Gene: MYH6 (myosin heavy chain 6; minus strand). Cytogenetic location: 14q11.2.
Variant type: single nucleotide variant.
Coding change: c.3988G>A on transcript NM_002471.4 (MANE Select); coding-DNA position 3988, G replaced by A.
Protein change: p.Ala1330Thr; replaces alanine 1330 with threonine.
Molecular consequence: missense variant.
Genome position (GRCh38, 1-based): chr14:23,389,046, C>T on the plus strand (G>A on the coding strand, the complement: MYH6 is on the minus strand). VCF-style: chr14-23389046-C-T. GRCh37 (hg19) VCF-style: chr14-23858255-C-T.
Other names: short protein forms A1330T.
Identifiers: ClinVar variation 191714 (VCV000191714.16), dbSNP rs757840030, ClinGen allele CA237351.